The following is an entry in ClinVar:

NM_000138.5(FBN1):c.4162C>A (p.Arg1388Ser)

Gene: FBN1 (fibrillin 1; minus strand). Cytogenetic location: 15q21.1.
Variant type: single nucleotide variant.
Coding change: c.4162C>A on transcript NM_000138.5 (MANE Select); coding-DNA position 4162, C replaced by A.
Protein change: p.Arg1388Ser; replaces arginine 1388 with serine.
Molecular consequence: missense variant.
Genome position (GRCh38, 1-based): chr15:48,474,303, G>T on the plus strand (C>A on the coding strand, the complement: FBN1 is on the minus strand). VCF-style: chr15-48474303-G-T. GRCh37 (hg19) VCF-style: chr15-48766500-G-T.
Other names: short protein forms R1388S.
Identifiers: ClinVar variation 1464721 (VCV001464721.6), dbSNP rs770860280, ClinGen allele CA392320175.

ClinVar aggregate classification (germline): Uncertain significance (1 of 4 stars; one submission).

Conditions:
Marfan syndrome (MFS). Also called: MARFAN SYNDROME, TYPE I; Marfan syndrome type 1; Marfan's syndrome; Marfan syndrome, classic; FBN1-Related Marfan Syndrome. Identifiers: Orphanet 284963, Orphanet 558, MedGen C0024796, MONDO:0007947, OMIM 154700.
Familial thoracic aortic aneurysm and aortic dissection (TAAD). Also called: Thoracic aortic aneurysms and dissections. Identifiers: Orphanet 91387, MedGen C4707243, MONDO:0019625.

Submission:

Labcorp Genetics (formerly Invitae), Labcorp
Classification: Uncertain significance for Marfan syndrome; Familial thoracic aortic aneurysm and aortic dissection. Last evaluated: 2022-04-23. Review status: criteria provided, single submitter. Criteria: Invitae Variant Classification Sherloc (09022015). Collection method: clinical testing. Allele origin: germline.
Comment: This variant has not been reported in the literature in individuals affected with FBN1-related conditions. In summary, the available evidence is currently insufficient to determine the role of this variant in disease. Therefore, it has been classified as a Variant of Uncertain Significance. Algorithms developed to predict the effect of sequence changes on RNA splicing suggest that this variant may create or strengthen a splice site. Algorithms developed to predict the effect of missense changes on protein structure and function are either unavailable or do not agree on the potential impact of this missense change (SIFT: "Deleterious"; PolyPhen-2: "Probably Damaging"; Align-GVGD: "Class C15"). This variant is not present in population databases (gnomAD no frequency). This sequence change replaces arginine, which is basic and polar, with serine, which is neutral and polar, at codon 1388 of the FBN1 protein (p.Arg1388Ser).